The following is an entry in ClinVar:

ClinVar aggregate classification (germline): Uncertain significance (1 of 4 stars; one submission).

Allele frequency attached by ClinVar (database versions not stated): ExAC 0.00002; TOPMed 0.00003; gnomAD 0.00004; gnomAD exomes 0.00005; ESP Exome Variant Server 0.00008.
gnomAD v4.1: 79 of 1,613,476 alleles (0.0049%); highest among the groups gnomAD compares: Non-Finnish European, 0.0064%; no homozygotes.

Submission:

Labcorp Genetics (formerly Invitae), Labcorp
Classification: Uncertain significance. Last evaluated: 2022-05-12. Review status: criteria provided, single submitter. Criteria: Invitae Variant Classification Sherloc (09022015). Collection method: clinical testing. Allele origin: germline.
Comment: This sequence change replaces proline, which is neutral and non-polar, with serine, which is neutral and polar, at codon 735 of the MCPH1 protein (p.Pro735Ser). This variant is present in population databases (rs377727146, gnomAD 0.004%). This variant has not been reported in the literature in individuals affected with MCPH1-related conditions. Algorithms developed to predict the effect of missense changes on protein structure and function are either unavailable or do not agree on the potential impact of this missense change (SIFT: "Not Available"; PolyPhen-2: "Probably Damaging"; Align-GVGD: "Not Available"). In summary, the available evidence is currently insufficient to determine the role of this variant in disease. Therefore, it has been classified as a Variant of Uncertain Significance.

NM_024596.5(MCPH1):c.2203C>T (p.Pro735Ser)

Genes: ANGPT2 (angiopoietin 2; minus strand), MCPH1 (microcephalin 1; plus strand). Cytogenetic location: 8p23.1.
Variant type: single nucleotide variant.
Coding change: c.2203C>T on transcript NM_024596.5 (MANE Select); coding-DNA position 2203, C replaced by T.
Protein change: p.Pro735Ser; replaces proline 735 with serine.
Molecular consequence: missense variant. On other transcripts: 3 prime UTR variant (6), intron variant (1).
Genome position (GRCh38, 1-based): chr8:6,499,918, C>T. VCF-style: chr8-6499918-C-T. GRCh37 (hg19) VCF-style: chr8-6357439-C-T.
Other names: c.*3183G>A (NM_001118887.2, NM_001118888.2, NM_001147.3 and 1 more transcripts); c.*3331G>A (NM_001386336.1, NM_001386337.1); c.2203C>T, p.Pro735Ser (NM_001322042.2, NM_001363979.1, NM_001410916.1 and 1 more transcripts); c.1935+44666C>T (NM_001363980.2); short protein forms P735S.
Identifiers: ClinVar variation 1903763 (VCV001903763.2), dbSNP rs377727146, ClinGen allele CA4610855.